The following is an entry in ClinVar:

ClinVar aggregate classification (germline): Pathogenic/Likely pathogenic. Review status: criteria provided, multiple submitters, no conflicts (2 of 4 stars). 10 submissions from 10 submitters: Pathogenic (5); Likely pathogenic (2). 3 of the submissions do not count toward it. Last evaluated 2026-02-13.

Conditions:
TARDBP-related disorder. Also called: TARDBP-related condition.
Amyotrophic lateral sclerosis type 10 (ALS10). Also called: TARDBP-Related Amyotrophic Lateral Sclerosis-Frontotemporal Dementia; AMYOTROPHIC LATERAL SCLEROSIS 10 WITHOUT FRONTOTEMPORAL DEMENTIA AND WITH TDP43 INCLUSIONS; AMYOTROPHIC LATERAL SCLEROSIS 10 WITH OR WITHOUT FRONTOTEMPORAL DEMENTIA AND WITH TDP43 INCLUSIONS; Amyotrophic lateral sclerosis 10, with or without FTD; AMYOTROPHIC LATERAL SCLEROSIS 10 WITH OR WITHOUT FRONTOTEMPORAL DEMENTIA. Identifiers: Orphanet 275872, Orphanet 803, MedGen C2677565, MONDO:0012790, OMIM 612069.
FRONTOTEMPORAL LOBAR DEGENERATION WITH TDP43 INCLUSIONS, TARDBP-RELATED. Also called: Frontotemporal lobar degeneration, TARDBP-related. Identifiers: MedGen C3150169, OMIM 612069.

Allele frequency attached by ClinVar (database versions not stated): gnomAD exomes below 0.00001.
gnomAD v4.1: 2 of 1,610,986 alleles (0.00012%); highest among the groups gnomAD compares: Non-Finnish European, 0.00017%; no homozygotes.

Submissions (10):

PreventionGenetics, part of Exact Sciences
Classification: Pathogenic for TARDBP-related condition. Last evaluated: 2026-02-13. Review status: criteria provided, single submitter. Criteria: ACMG Guidelines, 2015. Collection method: clinical testing. Allele origin: germline.
Comment: The TARDBP c.1055A>G variant is predicted to result in the amino acid substitution p.Asn352Ser. This variant has been reported in individuals with amyotrophic lateral sclerosis (ALS, Kühnlein et al. 2008. PubMed ID: 18779421; Homma et al. 2014. PubMed ID: 24117534; Xu et al. 2022. PMID: 35932023) and segregates with the disorder while displaying incomplete penetrance (van Blitterswijk et al. 2012. PubMed ID: 22645277). Functional studies demonstrate that this variant impacts protein half-life and the aggregation process (Budini et al. 2012. PubMed ID: 22406069; Watanabe et al. 2013. PubMed ID: 23235148; Hasegawa-Ogawa and Okano. 2021. PubMed ID: 33888768). This variant has not been reported in a large population database (gnomAD) and is consistently classified as likely pathogenic or pathogenic in ClinVar (Variation ID: 21468). An alternate missense variant of the same amino acid (p.Asn352Thr) has also been reported as causative for ALS (Ticozzi et al. 2011. PubMed ID: 20031275; Chen et al. 2019. PubMed ID: 31605140). Both variants are located within the conserved C-terminal region of TARDBP, which is considered a hot spot for ALS-causing variants (Tiloca et al. 2022. PubMed ID: 36247987). Taken together, the p.Asn352Ser variant is interpreted as pathogenic.

Labcorp Genetics (formerly Invitae), Labcorp
Classification: Pathogenic for Amyotrophic lateral sclerosis type 10; FRONTOTEMPORAL LOBAR DEGENERATION WITH TDP43 INCLUSIONS, TARDBP-RELATED. Last evaluated: 2025-12-13. Review status: criteria provided, single submitter. Criteria: Invitae Variant Classification Sherloc (09022015). Collection method: clinical testing. Allele origin: germline.
Comment: This sequence change replaces asparagine, which is neutral and polar, with serine, which is neutral and polar, at codon 352 of the TARDBP protein (p.Asn352Ser). This variant is not present in population databases (gnomAD no frequency). This missense change has been observed in individuals with amyotrophic lateral sclerosis (PMID: 18779421, 23327806, 24117534, 24237396). ClinVar contains an entry for this variant (Variation ID: 21468). An algorithm developed to predict the effect of missense changes on protein structure and function (PolyPhen-2) suggests that this variant is likely to be tolerated. Experimental studies have shown that this missense change affects TARDBP function (PMID: 22406069, 24440310). This variant disrupts the p.Asn352 amino acid residue in TARDBP. Other variant(s) that disrupt this residue have been observed in individuals with TARDBP-related conditions (PMID: 20031275), which suggests that this may be a clinically significant amino acid residue. For these reasons, this variant has been classified as Pathogenic.

Centre of Medical Genetics, University Hospital Muenster
Classification: Likely pathogenic for Amyotrophic lateral sclerosis type 10. Last evaluated: 2025-04-09. Review status: criteria provided, single submitter. Criteria: ACMG Guidelines, 2015. Collection method: clinical testing. Allele origin: unknown. Affected: yes. Observed: 1 variant allele, 1 heterozygote.
Comment: ACMG categories: PS3_sup,PS4_mod,PM1,PM2,PP2,PP4

CeGaT Center for Human Genetics Tuebingen
Classification: Pathogenic. Last evaluated: 2023-11-01. Review status: criteria provided, single submitter. Criteria: CeGaT Center For Human Genetics Tuebingen Variant Classification Criteria Version 2. Collection method: clinical testing. Allele origin: germline. Affected: yes. Observed: 1 variant allele.
Comment: TARDBP: PP1:Strong, PM1, PM2, PS4:Moderate, PP2, PS3:Supporting

Human Genetics Bochum, Ruhr University Bochum
Classification: Pathogenic for Amyotrophic lateral sclerosis type 10. Last evaluated: 2022-08-24. Review status: criteria provided, single submitter. Criteria: ACMG Guidelines, 2015. Collection method: clinical testing. Allele origin: germline. Affected: yes.
Comment: ACMG criteria used to clasify this variant: PS3, PM2, PS4, PP2

MGZ Medical Genetics Center
Classification: Likely pathogenic for Amyotrophic lateral sclerosis type 10. Last evaluated: 2021-10-11. Review status: criteria provided, single submitter. Criteria: ACMG Guidelines, 2015. Collection method: clinical testing. Allele origin: germline. Affected: yes. Observed: 1 variant allele.
Comment: ACMG criteria applied: PS3, PM1, PM5, PM2_SUP

Athena Diagnostics
Classification: Pathogenic. Last evaluated: 2019-02-20. Review status: criteria provided, single submitter. Criteria: Athena Diagnostics Criteria. Collection method: clinical testing. Allele origin: germline.
Comment: Not found in the total gnomAD dataset, and the data is high quality (0/281796 chr). Found in at least one symptomatic patient. Conflicting predictions of the effect on the protein. Located in potentially critical domain of the protein. Damaging to protein function(s) relevant to disease mechanism. Statistically associated with disease, but in a single family. (p < 0.05)

Clinical Genetics DNA and cytogenetics Diagnostics Lab, Erasmus MC, Erasmus Medical Center
Classification: Likely pathogenic. Review status: no assertion criteria provided. Collection method: clinical testing. Allele origin: germline. Affected: yes. Study: VKGL Data-share Consensus. Not counted in ClinVar's aggregate classification.

GeneReviews
No classification provided. Condition: Amyotrophic lateral sclerosis type 10. Review status: no classification provided. Collection method: literature only. Allele origin: germline. Affected: yes. Not counted in ClinVar's aggregate classification.

Genome Diagnostics Laboratory, University Medical Center Utrecht
Classification: Likely pathogenic. Review status: no assertion criteria provided. Collection method: clinical testing. Allele origin: germline. Affected: yes. Study: VKGL Data-share Consensus. Not counted in ClinVar's aggregate classification.

Literature cited by the submitters: PubMed 18779421 (cited by Labcorp Genetics (formerly Invitae), Labcorp and Athena Diagnostics); PubMed 23327806 (cited by Labcorp Genetics (formerly Invitae), Labcorp); PubMed 24117534 (cited by Labcorp Genetics (formerly Invitae), Labcorp and Athena Diagnostics); PubMed 24237396 (cited by Labcorp Genetics (formerly Invitae), Labcorp); PubMed 22406069 (cited by Labcorp Genetics (formerly Invitae), Labcorp and Athena Diagnostics); PubMed 24440310 (cited by Labcorp Genetics (formerly Invitae), Labcorp); PubMed 20031275 (cited by Labcorp Genetics (formerly Invitae), Labcorp); PubMed 22645277 (cited by Athena Diagnostics); PubMed 23235148 (cited by Athena Diagnostics); PubMed 19411082 (cited by Athena Diagnostics); PubMed 20675015 (cited by Athena Diagnostics); PubMed 26777436 (cited by Athena Diagnostics); PubMed 26096467 (cited by Athena Diagnostics); NCBI Bookshelf NBK5942 (cited by GeneReviews).

NM_007375.4(TARDBP):c.1055A>G (p.Asn352Ser)

Gene: TARDBP (TAR DNA binding protein; plus strand). Cytogenetic location: 1p36.22.
Variant type: single nucleotide variant.
Coding change: c.1055A>G on transcript NM_007375.4 (MANE Select); coding-DNA position 1055, A replaced by G.
Protein change: p.Asn352Ser; replaces asparagine 352 with serine.
Molecular consequence: missense variant.
Genome position (GRCh38, 1-based): chr1:11,022,464, A>G. VCF-style: chr1-11022464-A-G. GRCh37 (hg19) VCF-style: chr1-11082521-A-G.
Identifiers: ClinVar variation 21468 (VCV000021468.38), dbSNP rs80356734, ClinGen allele CA17876354.